The following is an entry in ClinVar:

NM_003647.3(DGKE):c.978T>G (p.Tyr326Ter)

Gene: DGKE (diacylglycerol kinase epsilon; plus strand). Cytogenetic location: 17q22.
Variant type: single nucleotide variant.
Coding change: c.978T>G on transcript NM_003647.3 (MANE Select); coding-DNA position 978, T replaced by G.
Protein change: p.Tyr326Ter; replaces tyrosine 326 with a stop codon.
Molecular consequence: nonsense.
Genome position (GRCh38, 1-based): chr17:56,848,785, T>G. VCF-style: chr17-56848785-T-G. GRCh37 (hg19) VCF-style: chr17-54926146-T-G.
Other names: short protein forms Y326*.
Identifiers: ClinVar variation 4280369 (VCV004280369.1).

ClinVar aggregate classification (germline): Pathogenic, low penetrance (1 of 4 stars; one submission).

Conditions:
Atypical hemolytic-uremic syndrome. Identifiers: Orphanet 2134, MedGen C2931788, MONDO:0016244.

gnomAD v4.1: 1 of 1,614,212 alleles (0.000062%); highest among the groups gnomAD compares: Non-Finnish European, 0.000085%; no homozygotes.

Submission:

Genomenon, Inc
Classification: Pathogenic, low penetrance for Atypical hemolytic-uremic syndrome. Last evaluated: 2025-09-26. Review status: criteria provided, single submitter. Criteria: Genomenon Sequence Variant Interpretation Standards - Updated. Collection method: curation. Allele origin: germline. Affected: yes.
Comment: DGKE p.Tyr326Ter (c.978T>G) is a nonsense variant that introduces a premature stop codon at amino acid position 326, creating a truncated protein that is predicted to undergo nonsense-mediated mRNA decay. This variant has been observed in at least one proband affected with atypical hemolytic-uremic syndrome (PMID:37744338). It is absent or not present at a significant frequency in gnomAD. In conclusion, we classify DGKE p.Tyr326Ter (c.978T>G) as a pathogenic, low penetrance variant.

Literature cited by the submitters: PubMed 37744338.